The following is an entry in ClinVar:

NM_004333.6(BRAF):c.1177+2114C>T

Gene: BRAF (B-Raf proto-oncogene, serine/threonine kinase; minus strand). Cytogenetic location: 7q34.
Variant type: single nucleotide variant.
Coding change: c.1177+2114C>T on transcript NM_004333.6 (MANE Select); 2114 bases into the intron after coding-DNA position 1177, C replaced by T.
Molecular consequence: intron variant.
Genome position (GRCh38, 1-based): chr7:140,785,434, G>A on the plus strand (C>T on the coding strand, the complement: BRAF is on the minus strand). VCF-style: chr7-140785434-G-A. GRCh37 (hg19) VCF-style: chr7-140485234-G-A.
Other names: c.1177+2114C>T (NM_001378474.1, NM_001378468.1, NM_001354609.2 and 1 more transcripts); c.1075+2114C>T (NM_001378470.1); c.913+2114C>T (NM_001378475.1); c.1141-2351C>T (NM_001378471.1); c.1297+255C>T (NM_001374258.1, NM_001374244.1); c.1186+2114C>T (NM_001378467.1); c.1021+2114C>T (NM_001378472.1, NM_001378473.1).
Identifiers: ClinVar variation 2658037 (VCV002658037.24), dbSNP rs550696715, ClinGen allele CA168093043.

ClinVar aggregate classification (germline): Likely benign (1 of 4 stars; one submission).

Allele frequency attached by ClinVar (database versions not stated): TOPMed 0.00121; gnomAD 0.00123; 1000 Genomes Project 0.00180; 1000 Genomes Project 30x 0.00187.
gnomAD v4.1: 187 of 152,076 alleles (0.12%); highest among the groups gnomAD compares: South Asian, 0.64%; 1 homozygote.

Submission:

CeGaT Center for Human Genetics Tuebingen
Classification: Likely benign. Last evaluated: 2026-08-01. Review status: criteria provided, single submitter. Criteria: CeGaT Center For Human Genetics Tuebingen Variant Classification Criteria Version 2. Collection method: clinical testing. Allele origin: germline. Affected: yes. Observed: 19 variant alleles.
Comment: BRAF: BS1